The following is an entry in ClinVar:

NM_006393.3(NEBL):c.738C>G (p.Tyr246Ter)

Gene: NEBL (nebulette; minus strand). Cytogenetic location: 10p12.31.
Variant type: single nucleotide variant.
Coding change: c.738C>G on transcript NM_006393.3 (MANE Select); coding-DNA position 738, C replaced by G.
Protein change: p.Tyr246Ter; replaces tyrosine 246 with a stop codon.
Molecular consequence: nonsense. On other transcripts: intron variant (9).
Genome position (GRCh38, 1-based): chr10:20,859,773, G>C on the plus strand (C>G on the coding strand, the complement: NEBL is on the minus strand). VCF-style: chr10-20859773-G-C. GRCh37 (hg19) VCF-style: chr10-21148702-G-C.
Other names: c.250-46833C>G (NM_001377326.1, NM_001377327.1, NM_001377328.1); c.358-46833C>G (NM_213569.2, NM_001173484.2, NM_001377322.1); c.301-46833C>G (NM_001377324.1); c.292-46833C>G (NM_001377325.1); c.310-46833C>G (NM_001377323.1); short protein forms Y246*.
Identifiers: ClinVar variation 1370373 (VCV001370373.6), dbSNP rs778455217, ClinGen allele CA5433125.

ClinVar aggregate classification (germline): Uncertain significance (1 of 4 stars; one submission).

Conditions:
Primary dilated cardiomyopathy (DCM). Also called: Dilated Cardiomyopathy. Identifiers: Orphanet 217604, MedGen C0007193, MeSH D002311, MONDO:0005021, HP:0001644. Inheritance: Various modes of inheritance.

Submission:

Labcorp Genetics (formerly Invitae), Labcorp
Classification: Uncertain significance for Primary dilated cardiomyopathy. Last evaluated: 2025-12-16. Review status: criteria provided, single submitter. Criteria: Invitae Variant Classification Sherloc (09022015). Collection method: clinical testing. Allele origin: germline.
Comment: This sequence change creates a premature translational stop signal (p.Tyr246*) in the NEBL gene. It is expected to result in an absent or disrupted protein product. However, the current clinical and genetic evidence is not sufficient to establish whether loss-of-function variants in NEBL cause disease. This variant is present in population databases (rs778455217, gnomAD 0.006%). This variant has not been reported in the literature in individuals affected with NEBL-related conditions. ClinVar contains an entry for this variant (Variation ID: 1370373). In summary, the available evidence is currently insufficient to determine the role of this variant in disease. Therefore, it has been classified as a Variant of Uncertain Significance.